The following is an entry in ClinVar:

NM_000059.4(BRCA2):c.1654T>G (p.Ser552Ala)

Gene: BRCA2 (BRCA2 DNA repair associated; plus strand). Cytogenetic location: 13q13.1.
Variant type: single nucleotide variant.
Coding change: c.1654T>G on transcript NM_000059.4 (MANE Select); coding-DNA position 1654, T replaced by G.
Protein change: p.Ser552Ala; replaces serine 552 with alanine.
Molecular consequence: missense variant.
Genome position (GRCh38, 1-based): chr13:32,333,132, T>G. VCF-style: chr13-32333132-T-G. GRCh37 (hg19) VCF-style: chr13-32907269-T-G.
Other names: c.1654T>G, p.Ser552Ala (NM_001406719.1, NM_001406720.1, NM_001406721.1); short protein forms S552A.
Identifiers: ClinVar variation 1777328 (VCV001777328.5), dbSNP rs1339661429, ClinGen allele CA387765011.

ClinVar aggregate classification (germline): Conflicting classifications of pathogenicity. Review status: criteria provided, conflicting classifications (1 of 4 stars). 2 submissions from 2 submitters: Uncertain significance (1); Likely benign (1). Last evaluated 2025-09-17.

Conditions:
Hereditary cancer-predisposing syndrome. Also called: Neoplastic Syndromes, Hereditary; Tumor predisposition; Hereditary Cancer Syndrome; Hereditary neoplastic syndrome. Identifiers: Orphanet 140162, MedGen C0027672, MeSH D009386, MONDO:0015356.

Allele frequency attached by ClinVar (database versions not stated): gnomAD exomes below 0.00001.
gnomAD v4.1: 1 of 1,614,038 alleles (0.000062%); highest among the groups gnomAD compares: Non-Finnish European, 0.000085%; no homozygotes.

Submissions (2):

Ambry Genetics
Classification: Uncertain significance for Hereditary cancer-predisposing syndrome. Last evaluated: 2025-09-17. Review status: criteria provided, single submitter. Criteria: Ambry Variant Classification Scheme 2023. Collection method: clinical testing. Allele origin: germline.
Comment: The p.S552A variant (also known as c.1654T>G), located in coding exon 9 of the BRCA2 gene, results from a T to G substitution at nucleotide position 1654. The serine at codon 552 is replaced by alanine, an amino acid with similar properties. This amino acid position is conserved. In addition, this alteration is predicted to be tolerated by in silico analysis. Since supporting evidence is limited at this time, the clinical significance of this alteration remains unclear.

University of Washington Department of Laboratory Medicine, University of Washington
Classification: Likely benign for Hereditary cancer-predisposing syndrome. Last evaluated: 2023-03-23. Review status: criteria provided, single submitter. Criteria: Dines et al. (Genet Med. 2020). Collection method: curation. Allele origin: germline.
Comment: Missense variant in a coldspot region where missense variants are very unlikely to be pathogenic (PMID:31911673).

BRCA2 exon 10 coldspot. Reclassification based on statistical prior probability.